The following is an entry in ClinVar:

ClinVar aggregate classification (germline): Conflicting classifications of pathogenicity. Review status: criteria provided, conflicting classifications (1 of 4 stars). 5 submissions from 5 submitters: Uncertain significance (2); Benign (1); Likely benign (2). Last evaluated 2025-01-29.

Conditions:
Hereditary cancer-predisposing syndrome. Also called: Hereditary neoplastic syndrome; Neoplastic Syndromes, Hereditary; Tumor predisposition; Hereditary Cancer Syndrome. Identifiers: Orphanet 140162, MedGen C0027672, MeSH D009386, MONDO:0015356.
Oligodontia-cancer predisposition syndrome. Also called: TOOTH AGENESIS-COLORECTAL CANCER SYNDROME. Identifiers: Orphanet 300576, MedGen C1837750, MONDO:0012075, OMIM 608615. Disease mechanism: loss of function.

Allele frequency attached by ClinVar (database versions not stated): gnomAD exomes below 0.00001; ExAC 0.00001; gnomAD 0.00001; TOPMed 0.00001.
gnomAD v4.1: 3 of 1,610,222 alleles (0.00019%); highest among the groups gnomAD compares: African/African-American, 0.0013%; no homozygotes.

Submissions (5):

Labcorp Genetics (formerly Invitae), Labcorp
Classification: Likely benign for Oligodontia-cancer predisposition syndrome. Last evaluated: 2025-01-29. Review status: criteria provided, single submitter. Criteria: Invitae Variant Classification Sherloc (09022015). Collection method: clinical testing. Allele origin: germline.

Myriad Genetics, Inc.
Classification: Benign for Oligodontia-cancer predisposition syndrome. Last evaluated: 2024-06-25. Review status: criteria provided, single submitter. Criteria: Myriad Autosomal Dominant, Autosomal Recessive and X-Linked Classification Criteria (2023). Collection method: clinical testing. Allele origin: unknown.
Comment: This variant is considered benign. This variant is a silent/synonymous amino acid change and it is not expected to impact splicing.

Quest Diagnostics Nichols Institute San Juan Capistrano
Classification: Uncertain significance. Last evaluated: 2023-07-28. Review status: criteria provided, single submitter. Criteria: Quest Diagnostics criteria. Collection method: clinical testing. Allele origin: unknown.
Comment: To the best of our knowledge, this variant has not been reported in the published literature. The frequency of this variant in the general population, 0.0000041 (1/246226 chromosomes (Genome Aggregation Database)), is uninformative in the assessment of its pathogenicity. Analysis of this variant using software algorithms for the prediction of the effect of nucleotide changes on AXIN2 mRNA splicing yielded predictions that this variant may result in the gain of a cryptic splice site without affecting the natural splice sites . Based on the available information, we are unable to determine the clinical significance of this variant.

Sema4
Classification: Uncertain significance for Hereditary cancer-predisposing syndrome. Last evaluated: 2022-03-10. Review status: criteria provided, single submitter. Criteria: Sema4 Curation Guidelines. Collection method: curation. Allele origin: germline.
Comment: The AXIN2 c.33G>A (p.P11=) variant has not been reported in the literature to our knowledge. It was observed in 1/112466 chromosomes in the Non-Finnish European population according to the Genome Aggregation Database (PMID: 32461654). This variant has been reported in ClinVar (Variation ID: 533241). In silico tools suggest the variant may create a novel cryptic acceptor splice site, though these predictions have not been confirmed by functional studies. The evidence is insufficient to meet ACMG/AMP criteria for classifying the variant as benign or pathogenic. Thus, the clinical significance of this variant is currently uncertain.

Ambry Genetics
Classification: Likely benign for Hereditary cancer-predisposing syndrome. Last evaluated: 2020-11-13. Review status: criteria provided, single submitter. Criteria: Ambry Variant Classification Scheme 2023. Collection method: clinical testing. Allele origin: germline.

NM_004655.4(AXIN2):c.33G>A (p.Pro11=)

Gene: AXIN2 (axin 2; minus strand). Cytogenetic location: 17q24.1.
Variant type: single nucleotide variant.
Coding change: c.33G>A on transcript NM_004655.4 (MANE Select); coding-DNA position 33, G replaced by A.
Protein change: p.Pro11=; no amino-acid change (proline 11 retained).
Molecular consequence: synonymous variant.
Genome position (GRCh38, 1-based): chr17:65,558,588, C>T on the plus strand (G>A on the coding strand, the complement: AXIN2 is on the minus strand). VCF-style: chr17-65558588-C-T. GRCh37 (hg19) VCF-style: chr17-63554706-C-T.
Other names: c.33G>A (LRG_296t1); c.33G>A, p.Pro11= (NM_001363813.1).
Identifiers: ClinVar variation 533241 (VCV000533241.17), dbSNP rs768626471, ClinGen allele CA8719110.